The following is an entry in ClinVar:

NM_005257.6(GATA6):c.314A>G (p.Asn105Ser)

Gene: GATA6 (GATA binding protein 6; plus strand). Cytogenetic location: 18q11.2.
Variant type: single nucleotide variant.
Coding change: c.314A>G on transcript NM_005257.6 (MANE Select); coding-DNA position 314, A replaced by G.
Protein change: p.Asn105Ser; replaces asparagine 105 with serine.
Molecular consequence: missense variant.
Genome position (GRCh38, 1-based): chr18:22,171,458, A>G. VCF-style: chr18-22171458-A-G. GRCh37 (hg19) VCF-style: chr18-19751419-A-G.
Other names: c.314A>G (NM_005257.3); short protein forms N105S.
Identifiers: ClinVar variation 999369 (VCV000999369.8), dbSNP rs1185679421, ClinGen allele CA401799392.
Genomic context (GRCh38, chr18:22,171,458, plus strand): 5'-CGCATCCCTTCGGGGCTCCCCACGGACCTTCGGCGCCTGGGGTCGCGGGCCCCGGGGGCA[A>G]CCTGTCGAGCTGGGAGGACTTGCTGCTGTTCACTGACCTCGACCAAGCCGCGACCGCCAG-3'
Protein context (NP_005248.2, residues 95-115): SAPGVAGPGG[Asn105Ser]LSSWEDLLLF

ClinVar aggregate classification (germline): Uncertain significance. Review status: criteria provided, multiple submitters, no conflicts (2 of 4 stars). 2 submissions from 2 submitters: Uncertain significance (2). Last evaluated 2025-05-27.

Conditions:
Atrioventricular septal defect 5 (AVSD5). Identifiers: MedGen C3280939, MONDO:0013769, OMIM 614474.
Inborn genetic diseases. Identifiers: MedGen C0950123, MeSH D030342.

Allele frequency attached by ClinVar (database versions not stated): gnomAD exomes below 0.00001 and 0.00002; TOPMed 0.00002.
gnomAD v4.1: 6 of 1,598,178 alleles (0.00038%); highest among the groups gnomAD compares: Admixed American, 0.0084%; no homozygotes.

Submissions (2):

Labcorp Genetics (formerly Invitae), Labcorp
Classification: Uncertain significance for Atrioventricular septal defect 5. Last evaluated: 2025-05-27. Review status: criteria provided, single submitter. Criteria: Invitae Variant Classification Sherloc (09022015). Collection method: clinical testing. Allele origin: germline.
Comment: This sequence change replaces asparagine, which is neutral and polar, with serine, which is neutral and polar, at codon 105 of the GATA6 protein (p.Asn105Ser). This variant is present in population databases (no rsID available, gnomAD 0.009%). This variant has not been reported in the literature in individuals affected with GATA6-related conditions. ClinVar contains an entry for this variant (Variation ID: 999369). An algorithm developed to predict the effect of missense changes on protein structure and function (PolyPhen-2) suggests that this variant is likely to be tolerated. In summary, the available evidence is currently insufficient to determine the role of this variant in disease. Therefore, it has been classified as a Variant of Uncertain Significance.

Ambry Genetics
Classification: Uncertain significance for Inborn genetic diseases. Last evaluated: 2021-06-21. Review status: criteria provided, single submitter. Criteria: Ambry Variant Classification Scheme 2023. Collection method: clinical testing. Allele origin: germline.